The following is an entry in ClinVar:

NM_000521.4(HEXB):c.250A>C (p.Asn84His)

Gene: HEXB (hexosaminidase subunit beta; plus strand). Cytogenetic location: 5q13.3.
Variant type: single nucleotide variant.
Coding change: c.250A>C on transcript NM_000521.4 (MANE Select); coding-DNA position 250, A replaced by C.
Protein change: p.Asn84His; replaces asparagine 84 with histidine.
Molecular consequence: missense variant. On other transcripts: intron variant (1).
Genome position (GRCh38, 1-based): chr5:74,685,510, A>C. VCF-style: chr5-74685510-A-C. GRCh37 (hg19) VCF-style: chr5-73981335-A-C.
Other names: c.-376-3818A>C (NM_001292004.2); short protein forms N84H.
Identifiers: ClinVar variation 2160866 (VCV002160866.1), dbSNP rs897304925, ClinGen allele CA120898957.

ClinVar aggregate classification (germline): Uncertain significance (1 of 4 stars; one submission).

Conditions:
Sandhoff disease. Also called: GM2-GANGLIOSIDOSIS, TYPE II; HEXOSAMINIDASES A AND B DEFICIENCY; Beta-hexosaminidase-beta-subunit deficiency; GM2 gangliosidosis, type 2; Total hexosaminidase deficiency; Sandhoff-Jatzkewitz-Pilz disease. Identifiers: Orphanet 796, MedGen C0036161, MONDO:0010006, OMIM 268800.

Allele frequency attached by ClinVar (database versions not stated): gnomAD exomes 0.00002; gnomAD 0.00003.
gnomAD v4.1: 37 of 1,604,182 alleles (0.0023%); highest among the groups gnomAD compares: Admixed American, 0.0034%; no homozygotes.

Submission:

Labcorp Genetics (formerly Invitae), Labcorp
Classification: Uncertain significance for Sandhoff disease. Last evaluated: 2022-06-18. Review status: criteria provided, single submitter. Criteria: Invitae Variant Classification Sherloc (09022015). Collection method: clinical testing. Allele origin: germline.
Comment: This sequence change replaces asparagine, which is neutral and polar, with histidine, which is basic and polar, at codon 84 of the HEXB protein (p.Asn84His). This variant is present in population databases (no rsID available, gnomAD 0.002%). This variant has not been reported in the literature in individuals affected with HEXB-related conditions. Advanced modeling of protein sequence and biophysical properties (such as structural, functional, and spatial information, amino acid conservation, physicochemical variation, residue mobility, and thermodynamic stability) performed at Invitae indicates that this missense variant is not expected to disrupt HEXB protein function. In summary, the available evidence is currently insufficient to determine the role of this variant in disease. Therefore, it has been classified as a Variant of Uncertain Significance.